The following is an entry in ClinVar:

ClinVar aggregate classification (germline): Uncertain significance. Review status: criteria provided, multiple submitters, no conflicts (2 of 4 stars). 3 submissions from 3 submitters: Uncertain significance (3). Last evaluated 2025-04-17.

Conditions:
Hereditary cancer-predisposing syndrome. Also called: Neoplastic Syndromes, Hereditary; Hereditary Cancer Syndrome; Tumor predisposition; Hereditary neoplastic syndrome. Identifiers: Orphanet 140162, MedGen C0027672, MeSH D009386, MONDO:0015356.
Ataxia-telangiectasia syndrome (AT). Also called: LOUIS-BAR SYNDROME; Cerebello-oculocutaneous telangiectasia; Immunodeficiency with ataxia telangiectasia; Ataxia-telangiectasia, complementation group D; AT, COMPLEMENTATION GROUP C; Ataxia-telangiectasia, complementation group E. Identifiers: Orphanet 100, MedGen C0004135, MONDO:0008840, OMIM 208900.

Submissions (3):

Labcorp Genetics (formerly Invitae), Labcorp
Classification: Uncertain significance for Ataxia-telangiectasia syndrome. Last evaluated: 2025-04-17. Review status: criteria provided, single submitter. Criteria: Invitae Variant Classification Sherloc (09022015). Collection method: clinical testing. Allele origin: germline.
Comment: This sequence change replaces leucine, which is neutral and non-polar, with arginine, which is basic and polar, at codon 2427 of the ATM protein (p.Leu2427Arg). This variant is not present in population databases (gnomAD no frequency). This missense change has been observed in individual(s) with prostate cancer (PMID: 29368341). ClinVar contains an entry for this variant (Variation ID: 489586). Invitae Evidence Modeling of protein sequence and biophysical properties (such as structural, functional, and spatial information, amino acid conservation, physicochemical variation, residue mobility, and thermodynamic stability) has been performed for this missense variant. However, the output from this modeling did not meet the statistical confidence thresholds required to predict the impact of this variant on ATM protein function. In summary, the available evidence is currently insufficient to determine the role of this variant in disease. Therefore, it has been classified as a Variant of Uncertain Significance.

Ambry Genetics
Classification: Uncertain significance for Hereditary cancer-predisposing syndrome. Last evaluated: 2024-03-12. Review status: criteria provided, single submitter. Criteria: Ambry Variant Classification Scheme 2023. Collection method: clinical testing. Allele origin: germline.
Comment: The p.L2427R variant (also known as c.7280T>G), located in coding exon 48 of the ATM gene, results from a T to G substitution at nucleotide position 7280. The leucine at codon 2427 is replaced by arginine, an amino acid with dissimilar properties. This amino acid position is not well conserved in available vertebrate species. In addition, the in silico prediction for this alteration is inconclusive. Based on the available evidence, the clinical significance of this alteration remains unclear.

Color Diagnostics, LLC DBA Color Health
Classification: Uncertain significance for Hereditary cancer-predisposing syndrome. Last evaluated: 2018-09-29. Review status: criteria provided, single submitter. Criteria: ACMG Guidelines, 2015. Collection method: clinical testing. Allele origin: germline.

Literature cited by the submitters: PubMed 29368341 (cited by Labcorp Genetics (formerly Invitae), Labcorp).

NM_000051.4(ATM):c.7280T>G (p.Leu2427Arg)

Genes: ATM (ATM serine/threonine kinase; plus strand), C11orf65 (chromosome 11 open reading frame 65; minus strand). Cytogenetic location: 11q22.3.
Variant type: single nucleotide variant.
Coding change: c.7280T>G on transcript NM_000051.4 (MANE Select); coding-DNA position 7280, T replaced by G.
Protein change: p.Leu2427Arg; replaces leucine 2427 with arginine.
Molecular consequence: missense variant. On other transcripts: intron variant (2).
Genome position (GRCh38, 1-based): chr11:108,329,211, T>G. VCF-style: chr11-108329211-T-G. GRCh37 (hg19) VCF-style: chr11-108199938-T-G.
Other names: c.7280T>G, p.Leu2427Arg (NM_001351834.2); c.641-20140A>C (NM_001330368.2); c.*38+6009A>C (NM_001351110.2); short protein forms L2427R.
Identifiers: ClinVar variation 489586 (VCV000489586.10), dbSNP rs1555122272, ClinGen allele CA382559786.
Genomic context (GRCh38, chr11:108,329,211, plus strand): 5'-CATCGGAATTTGAAAACAAGCAAGCTCTCCTGAAAAGAGCCAAAGAGGAAGTAGGTCTCC[T>G]TAGGGAACATAAAATTCAGACAAACAGGTAACTAGGTTTCTACAAGTGACAATTTTATGT-3'
Protein context (NP_000042.3, residues 2417-2437): LKRAKEEVGL[Leu2427Arg]REHKIQTNRY